The following is an entry in ClinVar:

NM_000217.3(KCNA1):c.436G>T (p.Glu146Ter)

Gene: KCNA1 (potassium voltage-gated channel subfamily A member 1; plus strand). Cytogenetic location: 12p13.32.
Variant type: single nucleotide variant.
Coding change: c.436G>T on transcript NM_000217.3 (MANE Select); coding-DNA position 436, G replaced by T.
Protein change: p.Glu146Ter; replaces glutamic acid 146 with a stop codon.
Molecular consequence: nonsense.
Genome position (GRCh38, 1-based): chr12:4,911,814, G>T. VCF-style: chr12-4911814-G-T. GRCh37 (hg19) VCF-style: chr12-5020980-G-T.
Other names: short protein forms E146*.
Identifiers: ClinVar variation 2054075 (VCV002054075.4), dbSNP rs772823472, ClinGen allele CA383454558.

ClinVar aggregate classification (germline): Uncertain significance (1 of 4 stars; one submission).

Conditions:
Episodic ataxia type 1 (EA1). Also called: Episodic ataxia/myokymia syndrome; MYOKYMIA WITH PERIODIC ATAXIA; PAROXYSMAL ATAXIA WITH NEUROMYOTONIA, HEREDITARY; ATAXIA, EPISODIC, WITH MYOKYMIA. Identifiers: Orphanet 37612, Orphanet 972, MedGen C1719788, MONDO:0008047, OMIM 160120.

Submission:

Labcorp Genetics (formerly Invitae), Labcorp
Classification: Uncertain significance for Episodic ataxia type 1. Last evaluated: 2022-02-19. Review status: criteria provided, single submitter. Criteria: Invitae Variant Classification Sherloc (09022015). Collection method: clinical testing. Allele origin: germline.
Comment: In summary, the available evidence is currently insufficient to determine the role of this variant in disease. Therefore, it has been classified as a Variant of Uncertain Significance. Experimental studies and prediction algorithms are not available or were not evaluated, and the functional significance of this variant is currently unknown. This variant has not been reported in the literature in individuals affected with KCNA1-related conditions. This variant is not present in population databases (gnomAD no frequency). This sequence change creates a premature translational stop signal (p.Glu146*) in the KCNA1 gene. While this is not anticipated to result in nonsense mediated decay, it is expected to disrupt the last 350 amino acid(s) of the KCNA1 protein.